The following is an entry in ClinVar:

ClinVar aggregate classification (germline): Uncertain significance (1 of 4 stars; one submission).

Conditions:
Hereditary cancer-predisposing syndrome. Also called: Neoplastic Syndromes, Hereditary; Tumor predisposition; Hereditary Cancer Syndrome; Hereditary neoplastic syndrome. Identifiers: Orphanet 140162, MedGen C0027672, MeSH D009386, MONDO:0015356.

Submission:

Ambry Genetics
Classification: Uncertain significance for Hereditary cancer-predisposing syndrome. Last evaluated: 2025-09-10. Review status: criteria provided, single submitter. Criteria: Ambry Variant Classification Scheme 2023. Collection method: clinical testing. Allele origin: germline.
Comment: The p.N133H variant (also known as c.397A>C), located in coding exon 4 of the TSC2 gene, results from an A to C substitution at nucleotide position 397. The asparagine at codon 133 is replaced by histidine, an amino acid with similar properties. This amino acid position is conserved. In addition, this alteration is predicted to be tolerated by in silico analysis. Based on the available evidence, the clinical significance of this variant remains unclear.

NM_000548.5(TSC2):c.397A>C (p.Asn133His)

Gene: TSC2 (TSC complex subunit 2; plus strand). Cytogenetic location: 16p13.3.
Variant type: single nucleotide variant.
Coding change: c.397A>C on transcript NM_000548.5 (MANE Select); coding-DNA position 397, A replaced by C.
Protein change: p.Asn133His; replaces asparagine 133 with histidine.
Molecular consequence: missense variant. On other transcripts: 5 prime UTR variant (14), non-coding transcript variant (5), intron variant (6).
Genome position (GRCh38, 1-based): chr16:2,054,356, A>C. VCF-style: chr16-2054356-A-C. GRCh37 (hg19) VCF-style: chr16-2104357-A-C.
Other names: c.397A>C, p.Asn133His (NM_001077183.3, NM_001114382.3, NM_001363528.2 and 8 more transcripts); c.286A>C, p.Asn96His (NM_001318827.2, NM_001406670.1, NM_001406678.1); c.250A>C, p.Asn84His (NM_001318829.2, NM_001406675.1, NM_001406676.1 and 1 more transcripts); c.430A>C, p.Asn144His (NM_001318832.2); c.-420A>C (NM_001406680.1, NM_001406683.1, NM_001406687.1); c.-49A>C (NM_001406681.1); c.-1035A>C (NM_001406689.1, NM_001406690.1, NM_001406691.1 and 2 more transcripts); c.-1251A>C (NM_001406693.1); and 6 more; short protein forms N163H, N84H, N96H, N114H, N133H, N144H.
Identifiers: ClinVar variation 4192199 (VCV004192199.1).